The following is an entry in ClinVar:

ClinVar aggregate classification (germline): Uncertain significance (1 of 4 stars; one submission).

Conditions:
Progressive sclerosing poliodystrophy (MTDPS4A). Also called: ALPERS PROGRESSIVE INFANTILE POLIODYSTROPHY; NEURONAL DEGENERATION OF CHILDHOOD WITH LIVER DISEASE, PROGRESSIVE; Alpers Syndrome; ALPERS DIFFUSE DEGENERATION OF CEREBRAL GRAY MATTER WITH HEPATIC CIRRHOSIS; Alpers-Huttenlocher Syndrome; Mitochondrial DNA depletion syndrome 4A (Alpers type). Identifiers: Orphanet 726, MedGen C0205710, MONDO:0008758, OMIM 203700.

Allele frequency attached by ClinVar (database versions not stated): gnomAD exomes below 0.00001.
gnomAD v4.1: 6 of 1,614,206 alleles (0.00037%); highest among the groups gnomAD compares: Non-Finnish European, 0.00051%; no homozygotes.

Submission:

Labcorp Genetics (formerly Invitae), Labcorp
Classification: Uncertain significance for Progressive sclerosing poliodystrophy. Last evaluated: 2024-06-01. Review status: criteria provided, single submitter. Criteria: Invitae Variant Classification Sherloc (09022015). Collection method: clinical testing. Allele origin: germline.
Comment: This sequence change replaces glycine, which is neutral and non-polar, with aspartic acid, which is acidic and polar, at codon 1017 of the POLG protein (p.Gly1017Asp). This variant is not present in population databases (gnomAD no frequency). This variant has not been reported in the literature in individuals affected with POLG-related conditions. Advanced modeling of protein sequence and biophysical properties (such as structural, functional, and spatial information, amino acid conservation, physicochemical variation, residue mobility, and thermodynamic stability) performed at Invitae indicates that this missense variant is not expected to disrupt POLG protein function with a negative predictive value of 95%. In summary, the available evidence is currently insufficient to determine the role of this variant in disease. Therefore, it has been classified as a Variant of Uncertain Significance.

NM_002693.3(POLG):c.3050G>A (p.Gly1017Asp)

Gene: POLG (DNA polymerase gamma, catalytic subunit; minus strand). Cytogenetic location: 15q26.1.
Variant type: single nucleotide variant.
Coding change: c.3050G>A on transcript NM_002693.3 (MANE Select); coding-DNA position 3050, G replaced by A.
Protein change: p.Gly1017Asp; replaces glycine 1017 with aspartic acid.
Molecular consequence: missense variant.
Genome position (GRCh38, 1-based): chr15:89,319,282, C>T on the plus strand (G>A on the coding strand, the complement: POLG is on the minus strand). VCF-style: chr15-89319282-C-T. GRCh37 (hg19) VCF-style: chr15-89862513-C-T.
Other names: c.3050G>A, p.Gly1017Asp (NM_001126131.2); short protein forms G1017D.
Identifiers: ClinVar variation 2743500 (VCV002743500.3), dbSNP rs2509210233, ClinGen allele CA393751359.